The following is an entry in ClinVar:

ClinVar aggregate classification (germline): Uncertain significance (1 of 4 stars; one submission).

Conditions:
Pitt-Hopkins syndrome (PTHS). Also called: ENCEPHALOPATHY, SEVERE EPILEPTIC, WITH AUTONOMIC DYSFUNCTION; MENTAL RETARDATION, SYNDROMAL, WITH INTERMITTENT HYPERVENTILATION. Identifiers: Orphanet 2896, MedGen C1970431, MONDO:0012589, OMIM 610954.

Submission:

Victorian Clinical Genetics Services, Murdoch Childrens Research Institute
Classification: Uncertain significance for Pitt-Hopkins syndrome. Last evaluated: 2020-05-25. Review status: criteria provided, single submitter. Criteria: ACMG Guidelines, 2015. Collection method: clinical testing. Allele origin: germline. Inheritance: Autosomal dominant inheritance.
Comment: Based on the classification scheme VCGS_Germline_v1.1.1, this variant is classified as 3B-VUS. Following criteria are met: 0102 - Loss-of-function is a known mechanism of disease for this gene. (N) 0107 - This gene is known to be associated with autosomal dominant disease. (N) 0202 - Variant is predicted to cause nonsense-mediated decay (NMD) and loss of protein function, however is located in an exon that may undergo alternative splicing (exon 1 of 16). NB: Transcript NM_001243232.1 was chosen for analysis because the impact of the variant is predicted to be the most deleterious to the protein. However, in the canonical transcript and other transcripts, this variant is non-coding. (P) 0251 - Variant is heterozygous. (N) 0301 - Variant is absent from gnomAD. (P) 0701 - No comparable variants in this transcript have been reported. (N) 0807 - Variant has not previously been reported in a clinical context. (N) 0905 - No segregation evidence has been identified for this variant. (N) 1007 - No published functional evidence has been identified for this variant. (N) 1208 - Inheritance information for this variant is not currently available. (N) Legend: (P) - Pathogenic, (N) - Neutral, (B) - Benign

NM_001083962.2(TCF4):c.305-159dup

Gene: TCF4 (transcription factor 4; minus strand). Cytogenetic location: 18q21.2.
Variant type: Duplication.
Coding change: c.305-159dup on transcript NM_001083962.2 (MANE Select); 159 bases into the intron before coding-DNA position 305, one base duplicated (T; older notation c.305-159dupT).
Molecular consequence: intron variant. On other transcripts: frameshift variant (3).
Genome position (GRCh38, 1-based): chr18:55,403,677, A duplicated on the plus strand (T on the coding strand, the reverse complement: TCF4 is on the minus strand). VCF-style (leftmost placement, unchanged base first): chr18-55403676-C-CA. GRCh37 (hg19) VCF-style: chr18-53070907-C-CA.
Other names: c.38dupT (NM_001243232.1); c.38dup, p.Arg14fs (NM_001243232.1, NM_001306208.1); c.611-159dup (NM_001243226.3); c.233-159dup (NM_001369584.1, NM_001369576.1, NM_001369577.1 and 15 more transcripts); c.305-159dup (NM_001369571.1, NM_001369567.1, NM_001243228.2 and 8 more transcripts); c.299-159dup (NM_001243230.2); c.179-159dup (NM_001243231.2, NM_001348211.2); c.-83-159dup (NM_001348212.2); and 1 more; short protein forms R14fs.
Identifiers: ClinVar variation 1805811 (VCV001805811.1), dbSNP rs2512236142, ClinGen allele CA923726161.